The following is an entry in ClinVar:

NM_000540.3(RYR1):c.14555A>C (p.Tyr4852Ser)

Gene: RYR1 (ryanodine receptor 1; plus strand). Cytogenetic location: 19q13.2.
Variant type: single nucleotide variant.
Coding change: c.14555A>C on transcript NM_000540.3 (MANE Select); coding-DNA position 14555, A replaced by C.
Protein change: p.Tyr4852Ser; replaces tyrosine 4852 with serine.
Molecular consequence: missense variant.
Genome position (GRCh38, 1-based): chr19:38,580,413, A>C. VCF-style: chr19-38580413-A-C. GRCh37 (hg19) VCF-style: chr19-39071053-A-C.
Other names: c.14540A>C, p.Tyr4847Ser (NM_001042723.2); short protein forms Y4847S, Y4852S.
Identifiers: ClinVar variation 4802139 (VCV004802139.1).

ClinVar aggregate classification (germline): Uncertain significance (1 of 4 stars; one submission).

Conditions:
RYR1-related disorder. Also called: RYR1-related condition; RYR1-related disorders. Identifiers: MedGen CN239331.

Submission:

Labcorp Genetics (formerly Invitae), Labcorp
Classification: Uncertain significance for RYR1-related disorder. Last evaluated: 2025-04-18. Review status: criteria provided, single submitter. Criteria: Invitae Variant Classification Sherloc (09022015). Collection method: clinical testing. Allele origin: germline.
Comment: This sequence change replaces tyrosine, which is neutral and polar, with serine, which is neutral and polar, at codon 4852 of the RYR1 protein (p.Tyr4852Ser). This variant is not present in population databases (gnomAD no frequency). This missense change has been observed in individual(s) with clinical features of congenital myopathy (internal data). Invitae Evidence Modeling of protein sequence and biophysical properties (such as structural, functional, and spatial information, amino acid conservation, physicochemical variation, residue mobility, and thermodynamic stability) indicates that this missense variant is expected to disrupt RYR1 protein function with a positive predictive value of 80%. This variant disrupts the p.Tyr4852 amino acid residue in RYR1. Other variant(s) that disrupt this residue have been determined to be pathogenic (internal data). This suggests that this residue is clinically significant, and that variants that disrupt this residue are likely to be disease-causing. In summary, the available evidence is currently insufficient to determine the role of this variant in disease. Therefore, it has been classified as a Variant of Uncertain Significance.